The following is an entry in ClinVar:

NM_000302.4(PLOD1):c.2068_2069delinsGT (p.Arg690Val)

Gene: PLOD1 (procollagen-lysine,2-oxoglutarate 5-dioxygenase 1; plus strand). Cytogenetic location: 1p36.22.
Variant type: Indel.
Coding change: c.2068_2069delinsGT on transcript NM_000302.4 (MANE Select); coding-DNA positions 2068 to 2069, CG replaced by GT.
Protein change: p.Arg690Val; replaces arginine 690 with valine.
Molecular consequence: missense variant.
Genome position (GRCh38, 1-based): chr1:11,974,692-11,974,693, CG replaced by GT. VCF-style: chr1-11974692-CG-GT. GRCh37 (hg19) VCF-style: chr1-12034749-CG-GT.
Other names: c.2209_2210delinsGT, p.Arg737Val (NM_001316320.2); short protein forms R690V, R737V.
Identifiers: ClinVar variation 520113 (VCV000520113.10), dbSNP rs1553137685, ClinGen allele CA658795395.

ClinVar aggregate classification (germline): Uncertain significance. Review status: criteria provided, multiple submitters, no conflicts (2 of 4 stars). 2 submissions from 2 submitters: Uncertain significance (2). Last evaluated 2022-02-18.

Conditions:
Familial thoracic aortic aneurysm and aortic dissection (TAAD). Also called: Thoracic aortic aneurysms and dissections. Identifiers: Orphanet 91387, MedGen C4707243, MONDO:0019625.
Ehlers-Danlos syndrome, kyphoscoliotic type 1 (EDSKSCL1). Also called: EHLERS-DANLOS SYNDROME, OCULAR-SCOLIOTIC TYPE; Ehlers-Danlos syndrome, hydroxylysine-deficient; PLOD1-Related Kyphoscoliotic Ehlers-Danlos Syndrome; EHLERS-DANLOS SYNDROME, TYPE VIA. Identifiers: Orphanet 1900, MedGen C0268342, MONDO:0016002, OMIM 225400. Disease mechanism: loss of function.

Submissions (2):

Labcorp Genetics (formerly Invitae), Labcorp
Classification: Uncertain significance for Ehlers-Danlos syndrome, kyphoscoliotic type 1. Last evaluated: 2022-02-18. Review status: criteria provided, single submitter. Criteria: Invitae Variant Classification Sherloc (09022015). Collection method: clinical testing. Allele origin: germline.
Comment: In summary, the available evidence is currently insufficient to determine the role of this variant in disease. Therefore, it has been classified as a Variant of Uncertain Significance. Algorithms developed to predict the effect of missense changes on protein structure and function are either unavailable or do not agree on the potential impact of this missense change (SIFT: "Not Available"; PolyPhen-2: "Benign"; Align-GVGD: "Not Available"). ClinVar contains an entry for this variant (Variation ID: 520113). This variant has not been reported in the literature in individuals affected with PLOD1-related conditions. Information on the frequency of this variant in the gnomAD database is not available, as this variant may be reported differently in the database. This sequence change replaces arginine, which is basic and polar, with valine, which is neutral and non-polar, at codon 690 of the PLOD1 protein (p.Arg690Val).

Ambry Genetics
Classification: Uncertain significance for Familial thoracic aortic aneurysm and aortic dissection. Last evaluated: 2016-11-10. Review status: criteria provided, single submitter. Criteria: Ambry Variant Classification Scheme 2023. Collection method: clinical testing. Allele origin: germline.
Comment: The c.2068_2069delCGinsGT variant (also known as p.R690V), located in coding exon 19 of the PLOD1 gene, results from an in-frame deletion of CG and insertion of GT at nucleotide positions 2068 to 2069. This results in the substitution of the arginine residue for a valine residue at codon 690, an amino acid with similar properties. This variant was not reported in population based cohorts in the following databases: ExAC, Database of Single Nucleotide Polymorphisms (dbSNP), NHLBI Exome Sequencing Project (ESP), and 1000 Genomes Project. In the ESP, this variant was not observed in 6503 samples (13006 alleles) with coverage at this position. This amino acid position is not well conserved in available vertebrate species. Since supporting evidence is limited at this time, the clinical significance of this alteration remains unclear.